The following is an entry in ClinVar:

ClinVar aggregate classification (germline): Uncertain significance (1 of 4 stars; one submission).

Submission:

GeneDx
Classification: Uncertain significance. Last evaluated: 2019-08-06. Review status: criteria provided, single submitter. Criteria: GeneDx Variant Classification Process June 2021. Collection method: clinical testing. Allele origin: germline. Affected: yes.
Comment: Not observed in large population cohorts (Lek et al., 2016); In silico analysis, which includes protein predictors and evolutionary conservation, supports that this variant does not alter protein structure/function; Has not been previously published as pathogenic or benign to our knowledge

NM_030632.3(ASXL3):c.2723T>A (p.Ile908Asn)

Gene: ASXL3 (ASXL transcriptional regulator 3; plus strand). Cytogenetic location: 18q12.1.
Variant type: single nucleotide variant.
Coding change: c.2723T>A on transcript NM_030632.3 (MANE Select); coding-DNA position 2723, T replaced by A.
Protein change: p.Ile908Asn; replaces isoleucine 908 with asparagine.
Molecular consequence: missense variant.
Genome position (GRCh38, 1-based): chr18:33,740,127, T>A. VCF-style: chr18-33740127-T-A. GRCh37 (hg19) VCF-style: chr18-31320091-T-A.
Other names: short protein forms I908N.
Identifiers: ClinVar variation 1307552 (VCV001307552.2), dbSNP rs2067634452, ClinGen allele CA402181360.